The following is an entry in ClinVar:

NM_022455.5(NSD1):c.6009+3A>C

Gene: NSD1 (nuclear receptor binding SET domain protein 1; plus strand). Cytogenetic location: 5q35.3.
Variant type: single nucleotide variant.
Coding change: c.6009+3A>C on transcript NM_022455.5 (MANE Select); 3 bases into the intron after coding-DNA position 6009, A replaced by C.
Molecular consequence: intron variant.
Genome position (GRCh38, 1-based): chr5:177,282,584, A>C. VCF-style: chr5-177282584-A-C. GRCh37 (hg19) VCF-style: chr5-176709585-A-C.
Other names: c.6009+3A>C (NM_001409301.1, NM_001409302.1, NM_001409303.1); c.5589+3A>C (NM_001409304.1); c.5256+3A>C (NM_001409305.1); c.5247+3A>C (NM_001409306.1, NM_001409307.1); c.5136+3A>C (NM_001409308.1, NM_172349.5, NM_001409309.1 and 1 more transcripts).
Identifiers: ClinVar variation 1419039 (VCV001419039.6), dbSNP rs2127261070, ClinGen allele CA2573139465.

ClinVar aggregate classification (germline): Uncertain significance (1 of 4 stars; one submission).

Submission:

Labcorp Genetics (formerly Invitae), Labcorp
Classification: Uncertain significance. Last evaluated: 2021-11-21. Review status: criteria provided, single submitter. Criteria: Invitae Variant Classification Sherloc (09022015). Collection method: clinical testing. Allele origin: germline.
Comment: Variants that disrupt the consensus splice site are a relatively common cause of aberrant splicing (PMID: 17576681, 9536098). Algorithms developed to predict the effect of sequence changes on RNA splicing suggest that this variant may disrupt the consensus splice site. This variant has been observed in individual(s) with clinical features of Sotos syndrome (Invitae). This variant is not present in population databases (gnomAD no frequency). This sequence change falls in intron 19 of the NSD1 gene. It does not directly change the encoded amino acid sequence of the NSD1 protein. It affects a nucleotide within the consensus splice site. In summary, the available evidence is currently insufficient to determine the role of this variant in disease. Therefore, it has been classified as a Variant of Uncertain Significance.

Literature cited by the submitters: PubMed 17576681; PubMed 9536098.